The following is an entry in ClinVar:

ClinVar aggregate classification (germline): Uncertain significance. Review status: criteria provided, multiple submitters, no conflicts (2 of 4 stars). 4 submissions from 4 submitters: Uncertain significance (4). Last evaluated 2026-08-04.

Conditions:
RASopathy. Also called: rasopathies; Noonan spectrum disorder. Identifiers: Orphanet 536391, MedGen C5555857, MONDO:0021060.

Submissions (4):

GeneDx
Classification: Uncertain significance. Last evaluated: 2026-08-04. Review status: criteria provided, single submitter. Criteria: GeneDx Variant Classification Process June 2021. Collection method: clinical testing. Allele origin: germline.
Comment: Identified in a fetus and reported as a variant of uncertain significance in published literature (PMID: 30050098); Not observed at significant frequency in large population cohorts (gnomAD); In silico analysis supports that this missense variant has a deleterious effect on protein structure/function; Missense variants in this gene are a common cause of disease and they are underrepresented in the general population; This variant is associated with the following publications: (PMID: 29907801, 30050098)

Labcorp Genetics (formerly Invitae), Labcorp
Classification: Uncertain significance for RASopathy. Last evaluated: 2025-07-06. Review status: criteria provided, single submitter. Criteria: Invitae Variant Classification Sherloc (09022015). Collection method: clinical testing. Allele origin: germline.
Comment: This sequence change replaces lysine, which is basic and polar, with asparagine, which is neutral and polar, at codon 209 of the MAP2K2 protein (p.Lys209Asn). This variant is not present in population databases (gnomAD no frequency). This missense change has been observed in individual(s) with clinical features of MAP2K2-related conditions (PMID: 29907801). ClinVar contains an entry for this variant (Variation ID: 496475). Invitae Evidence Modeling of protein sequence and biophysical properties (such as structural, functional, and spatial information, amino acid conservation, physicochemical variation, residue mobility, and thermodynamic stability) has been performed for this missense variant. However, the output from this modeling did not meet the statistical confidence thresholds required to predict the impact of this variant on MAP2K2 protein function. In summary, the available evidence is currently insufficient to determine the role of this variant in disease. Therefore, it has been classified as a Variant of Uncertain Significance.

AiLife Diagnostics
Classification: Uncertain significance. Last evaluated: 2022-01-03. Review status: criteria provided, single submitter. Criteria: ACMG Guidelines, 2015. Collection method: clinical testing. Allele origin: germline. Affected: yes. Observed: 1 variant allele.

Women's Health and Genetics/Laboratory Corporation of America, LabCorp
Classification: Uncertain significance. Last evaluated: 2016-05-23. Review status: criteria provided, single submitter. Criteria: LabCorp Variant Classification Summary - May 2015. Collection method: clinical testing. Allele origin: germline.
Comment: Variant summary: The MAP2K2 c.627G>C (p.Lys209Asn) variant involves the alteration of a mildly conserved nucleotide. 4/4 in silico tools predict a damaging outcome for this variant (SNPs&GO not captured due to low reliability index). This variant is absent in 68514 control chromosomes. The variant of interest has not, to our knowledge, been reported in affected individuals via publications and/or reputable databases/clinical diagnostic laboratories; nor evaluated for functional impact by in vivo/vitro studies. Because of the absence of clinical information and the lack of functional studies, the variant was classified as a variant of uncertain significance (VUS) until additional information becomes available.

Literature cited by the submitters: PubMed 29907801 (cited by Labcorp Genetics (formerly Invitae), Labcorp and AiLife Diagnostics).

NM_030662.4(MAP2K2):c.627G>C (p.Lys209Asn)

Gene: MAP2K2 (mitogen-activated protein kinase kinase 2; minus strand). Cytogenetic location: 19p13.3.
Variant type: single nucleotide variant.
Coding change: c.627G>C on transcript NM_030662.4 (MANE Select); coding-DNA position 627, G replaced by C.
Protein change: p.Lys209Asn; replaces lysine 209 with asparagine.
Molecular consequence: missense variant.
Genome position (GRCh38, 1-based): chr19:4,101,097, C>G on the plus strand (G>C on the coding strand, the complement: MAP2K2 is on the minus strand). VCF-style: chr19-4101097-C-G. GRCh37 (hg19) VCF-style: chr19-4101095-C-G.
Other names: short protein forms K209N.
Identifiers: ClinVar variation 496475 (VCV000496475.11), dbSNP rs1555696933, ClinGen allele CA403388616.